The following is an entry in ClinVar:

NM_000329.3(RPE65):c.94+9C>T

Gene: RPE65 (retinoid isomerohydrolase RPE65; minus strand). Cytogenetic location: 1p31.3.
Variant type: single nucleotide variant.
Coding change: c.94+9C>T on transcript NM_000329.3 (MANE Select); 9 bases into the intron after coding-DNA position 94, C replaced by T.
Molecular consequence: intron variant.
Genome position (GRCh38, 1-based): chr1:68,448,615, G>A on the plus strand (C>T on the coding strand, the complement: RPE65 is on the minus strand). VCF-style: chr1-68448615-G-A. GRCh37 (hg19) VCF-style: chr1-68914298-G-A.
Other names: c.94+9C>T (NM_000329.2).
Identifiers: ClinVar variation 1620140 (VCV001620140.9), dbSNP rs747174742, ClinGen allele CA902620.

ClinVar aggregate classification (germline): Likely benign. Review status: criteria provided, multiple submitters, no conflicts (2 of 4 stars). 2 submissions from 2 submitters: Likely benign (2). Last evaluated 2026-09-18.

Conditions:
Leber congenital amaurosis 2 (LCA2). Also called: Autosomal Recessive RPE65-Related Retinal Degeneration; AMAUROSIS CONGENITA OF LEBER II. Identifiers: Orphanet 65, MedGen C1859844, MONDO:0008765, OMIM 204100. Disease mechanism: loss of function.
Retinitis pigmentosa 20 (RP20). Identifiers: Orphanet 791, MedGen C3151086, MONDO:0013425, OMIM 613794.
RPE65-related disorder. Also called: RPE65-related disorders; RPE65-related condition. Identifiers: MedGen CN239301.

Submissions (2):

PreventionGenetics, part of Exact Sciences
Classification: Likely benign for RPE65-related condition. Last evaluated: 2026-09-18. Review status: criteria provided, single submitter. Criteria: ACMG Guidelines, 2015. Collection method: clinical testing. Allele origin: germline.
Comment: This variant is classified as likely benign based on ACMG/AMP sequence variant interpretation guidelines (Richards et al. 2015 PMID: 25741868, with internal and published modifications).

Labcorp Genetics (formerly Invitae), Labcorp
Classification: Likely benign for Leber congenital amaurosis 2; Retinitis pigmentosa 20. Last evaluated: 2024-03-16. Review status: criteria provided, single submitter. Criteria: Invitae Variant Classification Sherloc (09022015). Collection method: clinical testing. Allele origin: germline.